The following is an entry in ClinVar:

NM_018941.4(CLN8):c.159C>A (p.Tyr53Ter)

Gene: CLN8 (CLN8 transmembrane ER and ERGIC protein; plus strand). Cytogenetic location: 8p23.3.
Variant type: single nucleotide variant.
Coding change: c.159C>A on transcript NM_018941.4 (MANE Select); coding-DNA position 159, C replaced by A.
Protein change: p.Tyr53Ter; replaces tyrosine 53 with a stop codon.
Molecular consequence: nonsense.
Genome position (GRCh38, 1-based): chr8:1,771,213, C>A. VCF-style: chr8-1771213-C-A. GRCh37 (hg19) VCF-style: chr8-1719379-C-A.
Other names: short protein forms Y53*.
Identifiers: ClinVar variation 2168382 (VCV002168382.4), dbSNP rs780551031, ClinGen allele CA4599218.

ClinVar aggregate classification (germline): Pathogenic (1 of 4 stars; one submission).

Conditions:
Neuronal ceroid lipofuscinosis. Also called: Neuronal Ceroid Lipofuscinoses. Identifiers: Orphanet 216, Orphanet 79263, MedGen C0027877, MONDO:0016295. Disease mechanism: loss of function.

Allele frequency attached by ClinVar (database versions not stated): TOPMed 0.00001.
gnomAD v4.1: 7 of 1,613,928 alleles (0.00043%); highest among the groups gnomAD compares: Non-Finnish European, 0.00034%; no homozygotes.

Submission:

Labcorp Genetics (formerly Invitae), Labcorp
Classification: Pathogenic for Neuronal ceroid lipofuscinosis. Last evaluated: 2024-10-22. Review status: criteria provided, single submitter. Criteria: Invitae Variant Classification Sherloc (09022015). Collection method: clinical testing. Allele origin: germline.
Comment: This sequence change creates a premature translational stop signal (p.Tyr53*) in the CLN8 gene. It is expected to result in an absent or disrupted protein product. Loss-of-function variants in CLN8 are known to be pathogenic (PMID: 15024724). This variant is present in population databases (rs780551031, gnomAD 0.0009%). This variant has not been reported in the literature in individuals affected with CLN8-related conditions. ClinVar contains an entry for this variant (Variation ID: 2168382). For these reasons, this variant has been classified as Pathogenic.

Literature cited by the submitters: PubMed 15024724.